The following is an entry in ClinVar:

NC_000016.9:g.(?_136684)_(139920_?)dup

Gene: NPRL3 (NPR3 like, GATOR1 complex subunit; minus strand). Cytogenetic location: 16p13.3.
Variant type: Duplication.
Identifiers: ClinVar variation 1022606 (VCV001022606.1).

ClinVar aggregate classification (germline): Uncertain significance (1 of 4 stars; one submission).

Conditions:
Epilepsy, familial focal, with variable foci 3 (FFEVF3). Identifiers: MedGen C4310708, MONDO:0014925, OMIM 617118.

Submission:

Labcorp Genetics (formerly Invitae), Labcorp
Classification: Uncertain significance for Epilepsy, familial focal, with variable foci 3. Last evaluated: 2020-01-16. Review status: criteria provided, single submitter. Criteria: Invitae Variant Classification Sherloc (09022015). Collection method: clinical testing. Allele origin: germline.
Comment: This variant results in a copy number gain of the genomic region encompassing exons 12-14 of the NPRL3 gene. The 5' boundary is likely confined to intron 11. The 3' end of this event is unknown as it extends beyond the assayed region for this gene and therefore may encompass additional genes. As the precise location of this event is unknown, it may be in tandem or it may be located elsewhere in the genome. This variant has not been reported in the literature in individuals with NPRL3-related conditions. In summary, the available evidence is currently insufficient to determine the role of this variant in disease. Therefore, it has been classified as a Variant of Uncertain Significance.